The following is an entry in ClinVar:

NM_030667.3(PTPRO):c.3043C>T (p.Pro1015Ser)

Gene: PTPRO (protein tyrosine phosphatase receptor type O; plus strand). Cytogenetic location: 12p12.3.
Variant type: single nucleotide variant.
Coding change: c.3043C>T on transcript NM_030667.3 (MANE Select); coding-DNA position 3043, C replaced by T.
Protein change: p.Pro1015Ser; replaces proline 1015 with serine.
Molecular consequence: missense variant.
Genome position (GRCh38, 1-based): chr12:15,580,742, C>T. VCF-style: chr12-15580742-C-T. GRCh37 (hg19) VCF-style: chr12-15733676-C-T.
Other names: c.2959C>T, p.Pro987Ser (NM_002848.4); c.526C>T, p.Pro176Ser (NM_030668.3, NM_030670.3); c.610C>T, p.Pro204Ser (NM_030669.3, NM_030671.3); short protein forms P1015S, P176S, P204S, P987S.
Identifiers: ClinVar variation 1698684 (VCV001698684.2), dbSNP rs2135644233, ClinGen allele CA384027962.

ClinVar aggregate classification (germline): drug response (0 of 4 stars; one submission).

Conditions:
Corticosteroids response. Also called: Corticosteroid response.

Submission:

Genetic Testing Lab, Ashok and Rita Patel Institute of Integrated Study and Research in Biotechnology and Allied Sciences
Classification: drug response for Corticosteroid response. Last evaluated: 2022-05-20. Review status: no assertion criteria provided. Collection method: research. Allele origin: somatic. Affected: yes. Observed: 27 variant alleles.
Comment: Depending upon patients response to standard corticosteroids therapy, they were classified to be either Steroid resistance(SRNS)(poor metabolizer) or steroid sensitive(SSNS)(likley responsive)